The following is an entry in ClinVar:

ClinVar aggregate classification (germline): Uncertain significance. Review status: criteria provided, multiple submitters, no conflicts (2 of 4 stars). 3 submissions from 3 submitters: Uncertain significance (3). Last evaluated 2026-05-26.

Conditions:
Polycystic kidney disease, adult type (PKD1). Also called: Polycystic Kidney Disease 1, Autosomal Dominant; Polycystic kidney disease 1; Polycystic kidney disease 1, severe; POLYCYSTIC KIDNEY DISEASE 1 WITH OR WITHOUT POLYCYSTIC LIVER DISEASE; Polycystic Kidney, Autosomal Dominant; POLYCYSTIC KIDNEY DISEASE, ADULT, TYPE I. Identifiers: MedGen C3149841, MONDO:0008263, OMIM 173900.
PKD1-related disorder. Also called: PKD1-related condition.

gnomAD v4.1: 9 of 1,562,576 alleles (0.00058%); highest among the groups gnomAD compares: Non-Finnish European, 0.00078%; no homozygotes.

Submissions (3):

PreventionGenetics, part of Exact Sciences
Classification: Uncertain significance for PKD1-related condition. Last evaluated: 2026-05-26. Review status: criteria provided, single submitter. Criteria: ACMG Guidelines, 2015. Collection method: clinical testing. Allele origin: germline.
Comment: The PKD1 c.9857T>A variant is predicted to result in the amino acid substitution p.Leu3286His. This variant was reported in an individual with liver and kidney cysts, and medullary nephrocalcinosis (Figure 6, Aklilu et al. 2024. PubMed ID: 37962562). Of note, a different substitution at the same codon, defined as c.9857T>C (p.Leu3286Pro), was reported in individuals with autosomal dominant polycystic kidney disease (ADPKD) (Supplementary Table 3, Mantovani et al. 2020. PubMed ID: 32457805; co-segregation noted in Supplemental Table 1, Xu et al. 2024. PubMed ID: 38527221). The c.9857T>A (p.Leu3286His) variant is reported in 0.0025% of alleles in individuals of European (Non-Finnish) descent in gnomAD. At this time, the clinical significance of this variant is uncertain due to the absence of conclusive functional and genetic evidence.

Women's Health and Genetics/Laboratory Corporation of America, LabCorp
Classification: Uncertain significance. Last evaluated: 2026-03-09. Review status: criteria provided, single submitter. Criteria: LabCorp Variant Classification Summary - May 2015. Collection method: clinical testing. Allele origin: germline.
Comment: Variant summary: PKD1 c.9857T>A (p.Leu3286His) results in a non-conservative amino acid change in the encoded protein sequence. Algorithms developed to predict the effect of missense changes on protein structure and function are either unavailable or do not agree on the potential impact of this missense change. The variant allele was found at a frequency of 6.1e-06 in 164962 control chromosomes. The available data on variant occurrences in the general population are insufficient to allow any conclusion about variant significance. To our knowledge, no occurrence of c.9857T>A in individuals affected with PKD1-related conditions and no experimental evidence demonstrating its impact on protein function have been reported. ClinVar contains an entry for this variant (Variation ID: 3780346). Based on the evidence outlined above, the variant was classified as uncertain significance.

Department of Pathology and Laboratory Medicine, Sinai Health System
Classification: Uncertain significance for Polycystic kidney disease, adult type. Last evaluated: 2017-07-04. Review status: criteria provided, single submitter. Criteria: ACMG Guidelines, 2015. Collection method: clinical testing. Allele origin: germline. Affected: yes.

NM_001009944.3(PKD1):c.9857T>A (p.Leu3286His)

Gene: PKD1 (polycystin 1, transient receptor potential channel interacting; minus strand). Cytogenetic location: 16p13.3.
Variant type: single nucleotide variant.
Coding change: c.9857T>A on transcript NM_001009944.3 (MANE Select); coding-DNA position 9857, T replaced by A.
Protein change: p.Leu3286His; replaces leucine 3286 with histidine.
Molecular consequence: missense variant.
Genome position (GRCh38, 1-based): chr16:2,099,927, A>T on the plus strand (T>A on the coding strand, the complement: PKD1 is on the minus strand). VCF-style: chr16-2099927-A-T. GRCh37 (hg19) VCF-style: chr16-2149928-A-T.
Other names: c.9857T>A, p.Leu3286His (NM_000296.4); short protein forms L3286H.
Identifiers: ClinVar variation 3780346 (VCV003780346.3).
Genomic context (GRCh38, chr16:2,099,927, plus strand): 5'-GCAGAGTCGCCAACAGCCCCGTACCACACGGCGTTGGCGCCCAGGAAGAGGCAGATGAGG[A>T]GAACGCAGCAGGTGGCCCTCTGGATGCGAGTGAAACGGCTACGAGGCGGCCGGTCCCATA-3'
Protein context (NP_001009944.3, residues 3276-3296): TRIQRATCCV[Leu3286His]LICLFLGANA